The following is an entry in ClinVar:

NC_000017.10:g.(?_41251772)_(41251917_?)dup

Gene: BRCA1 (BRCA1 DNA repair associated; minus strand). Cytogenetic location: 17q21.31.
Variant type: Duplication.
Identifiers: ClinVar variation 661727 (VCV000661727.1).

ClinVar aggregate classification (germline): Likely pathogenic (1 of 4 stars; one submission).

Conditions:
Hereditary breast ovarian cancer syndrome. Also called: Hereditary breast and ovarian cancer syndrome (HBOC); Hereditary breast and ovarian cancer syndrome; Breast and ovarian cancer; Hereditary breast and ovarian cancer; Hereditary breast and/or ovarian cancer syndrome; BRCA1- and BRCA2-Associated Hereditary Breast and Ovarian Cancer. Identifiers: Orphanet 145, MedGen C0677776, MeSH D061325, MONDO:0003582. Disease mechanism: loss of function.

Submission:

Labcorp Genetics (formerly Invitae), Labcorp
Classification: Likely pathogenic for Hereditary breast and ovarian cancer syndrome. Last evaluated: 2018-12-21. Review status: criteria provided, single submitter. Criteria: Invitae Variant Classification Sherloc (09022015). Collection method: clinical testing. Allele origin: germline.
Comment: This variant results in a copy number gain of the genomic region encompassing exon 7 of the BRCA1 gene. While the exact position of this variant cannot be determined from this data, sub-genic copy number gains are generally in tandem (PMID: 25640679) and may result in an absent or disrupted protein product. A copy number gain of exon 7 has not been reported in the literature in individuals with BRCA1-related disease. Loss-of-function variants in BRCA1 are known to be pathogenic (PMID: 20104584). In summary, the currently available evidence indicates that the variant is pathogenic, but additional data are needed to prove that conclusively. Therefore, this variant has been classified as Likely Pathogenic.